The following is an entry in ClinVar:

ClinVar aggregate classification (germline): Benign/Likely benign. Review status: criteria provided, multiple submitters, no conflicts (2 of 4 stars). 8 submissions from 8 submitters: Benign (2); Likely benign (5). 1 of the submissions does not count toward it. Last evaluated 2026-02-02.

Conditions:
DYNC1H1-related disorder. Also called: DYNC1H1-related condition; DYNC1H1-related disorders. Identifiers: MedGen CN381529.
Inborn genetic diseases. Identifiers: MedGen C0950123, MeSH D030342.
Charcot-Marie-Tooth disease. Also called: Charcot-Marie-Tooth Hereditary Neuropathy; Charcot-Marie-Tooth Neuropathy. Identifiers: Orphanet 166, MedGen C0007959, MONDO:0015626.
Charcot-Marie-Tooth disease axonal type 2O. Also called: CHARCOT-MARIE-TOOTH NEUROPATHY, AXONAL, TYPE 2O; CHARCOT-MARIE-TOOTH DISEASE, AXONAL, AUTOSOMAL DOMINANT, TYPE 2O; Charcot-Marie-Tooth disease, axonal, type 20; Charcot-Marie-Tooth Neuropathy Type 2O. Identifiers: Orphanet 284232, MedGen C3280220, MONDO:0013644, OMIM 614228.

Allele frequency attached by ClinVar (database versions not stated): 1000 Genomes Project 30x 0.00016; 1000 Genomes Project 0.00020; gnomAD exomes 0.00023 and 0.00037; ExAC 0.00030; gnomAD 0.00047 and 0.00049; TOPMed 0.00053; ESP Exome Variant Server 0.00054.
gnomAD v4.1: 432 of 1,614,248 alleles (0.027%); highest among the groups gnomAD compares: Middle Eastern, 0.15%; 1 homozygote.

Submissions (8):

Labcorp Genetics (formerly Invitae), Labcorp
Classification: Likely benign for Charcot-Marie-Tooth disease axonal type 2O. Last evaluated: 2026-02-02. Review status: criteria provided, single submitter. Criteria: Invitae Variant Classification Sherloc (09022015). Collection method: clinical testing. Allele origin: germline.

CeGaT Center for Human Genetics Tuebingen
Classification: Likely benign. Last evaluated: 2026-02-01. Review status: criteria provided, single submitter. Criteria: CeGaT Center For Human Genetics Tuebingen Variant Classification Criteria Version 2. Collection method: clinical testing. Allele origin: germline. Affected: yes. Observed: 2 variant alleles.
Comment: DYNC1H1: BP4, BP7

Athena Diagnostics
Classification: Benign. Last evaluated: 2024-12-31. Review status: criteria provided, single submitter. Criteria: Athena Diagnostics Criteria. Collection method: clinical testing. Allele origin: unknown.
Comment: The frequency of this variant in the general population is higher than would generally be expected for pathogenic variants in this gene. Computational tools yielded predictions that this variant is unlikely to have an effect on normal RNA splicing.

Genetic Services Laboratory, University of Chicago
Classification: Likely benign. Last evaluated: 2019-08-21. Review status: criteria provided, single submitter. Criteria: ACMG Guidelines, 2015. Collection method: clinical testing. Allele origin: germline. Affected: no.

GeneDx
Classification: Benign. Last evaluated: 2019-05-10. Review status: criteria provided, single submitter. Criteria: GeneDx Variant Classification Process June 2021. Collection method: clinical testing. Allele origin: germline. Affected: yes.

Ambry Genetics
Classification: Likely benign for Inborn genetic diseases. Last evaluated: 2017-03-22. Review status: criteria provided, single submitter. Criteria: Ambry Variant Classification Scheme 2023. Collection method: clinical testing. Allele origin: germline.

Molecular Genetics Laboratory, London Health Sciences Centre
Classification: Likely benign for Charcot-Marie-Tooth disease. Review status: criteria provided, single submitter. Criteria: ACMG Guidelines, 2015. Collection method: clinical testing. Allele origin: germline. Affected: yes.

PreventionGenetics, part of Exact Sciences
Classification: Likely benign for DYNC1H1-related condition. Last evaluated: 2022-06-28. Review status: no assertion criteria provided. Collection method: clinical testing. Allele origin: germline. Not counted in ClinVar's aggregate classification.
Comment: This variant is classified as likely benign based on ACMG/AMP sequence variant interpretation guidelines (Richards et al. 2015 PMID: 25741868, with internal and published modifications).

NM_001376.5(DYNC1H1):c.1173A>G (p.Gln391=)

Gene: DYNC1H1 (dynein cytoplasmic 1 heavy chain 1; plus strand). Cytogenetic location: 14q32.31.
Variant type: single nucleotide variant.
Coding change: c.1173A>G on transcript NM_001376.5 (MANE Select); coding-DNA position 1173, A replaced by G.
Protein change: p.Gln391=; no amino-acid change (glutamine 391 retained).
Molecular consequence: synonymous variant.
Genome position (GRCh38, 1-based): chr14:101,983,230, A>G. VCF-style: chr14-101983230-A-G. GRCh37 (hg19) VCF-style: chr14-102449567-A-G.
Identifiers: ClinVar variation 385969 (VCV000385969.40), dbSNP rs17540735, ClinGen allele CA7351649.
Genomic context (GRCh38, chr14:101,983,230, plus strand): 5'-ATATCCTATTCAGAGGGCACTGCGTTTGGTGGAGGCAATTTCAAGAGACTTGAGTTCTCA[A>G]TTACTCAAAGTATTGGGCACTAGGAAATTGATGCATGTTGCTTATGAAGAATTTGAAAAA-3'
Protein context (NP_001367.2, residues 381-401): VEAISRDLSS[Gln391=]LLKVLGTRKL